The following is an entry in ClinVar:

NM_033225.6(CSMD1):c.384G>A (p.Val128=)

Gene: CSMD1 (CUB and Sushi multiple domains 1; minus strand). Cytogenetic location: 8p23.2.
Variant type: single nucleotide variant.
Coding change: c.384G>A on transcript NM_033225.6 (MANE Select); coding-DNA position 384, G replaced by A.
Protein change: p.Val128=; no amino-acid change (valine 128 retained).
Molecular consequence: synonymous variant.
Genome position (GRCh38, 1-based): chr8:4,419,984, C>T on the plus strand (G>A on the coding strand, the complement: CSMD1 is on the minus strand). VCF-style: chr8-4419984-C-T. GRCh37 (hg19) VCF-style: chr8-4277506-C-T.
Identifiers: ClinVar variation 748878 (VCV000748878.5), dbSNP rs1367655639, ClinGen allele CA459066904.

ClinVar aggregate classification (germline): Likely benign. Review status: criteria provided, single submitter (1 of 4 stars). 2 submissions from 2 submitters: Likely benign (1). 1 of the submissions does not count toward it. Last evaluated 2018-05-16.

Conditions:
CSMD1-related disorder. Also called: CSMD1-related condition.

Allele frequency attached by ClinVar (database versions not stated): gnomAD exomes 0.00005; gnomAD 0.00012 and 0.00013; TOPMed 0.00012.
gnomAD v4.1: 31 of 1,587,202 alleles (0.002%); highest among the groups gnomAD compares: Admixed American, 0.053%; no homozygotes.

Submissions (2):

Labcorp Genetics (formerly Invitae), Labcorp
Classification: Likely benign. Last evaluated: 2018-05-16. Review status: criteria provided, single submitter. Criteria: Invitae Variant Classification Sherloc (09022015). Collection method: clinical testing. Allele origin: germline.

PreventionGenetics, part of Exact Sciences
Classification: Likely benign for CSMD1-related condition. Last evaluated: 2019-08-07. Review status: no assertion criteria provided. Collection method: clinical testing. Allele origin: germline. Not counted in ClinVar's aggregate classification.
Comment: This variant is classified as likely benign based on ACMG/AMP sequence variant interpretation guidelines (Richards et al. 2015 PMID: 25741868, with internal and published modifications).